The following is an entry in ClinVar:

NM_018965.4(TREM2):c.172G>A (p.Gly58Ser)

Gene: TREM2 (triggering receptor expressed on myeloid cells 2; minus strand). Cytogenetic location: 6p21.1.
Variant type: single nucleotide variant.
Coding change: c.172G>A on transcript NM_018965.4 (MANE Select); coding-DNA position 172, G replaced by A.
Protein change: p.Gly58Ser; replaces glycine 58 with serine.
Molecular consequence: missense variant.
Genome position (GRCh38, 1-based): chr6:41,161,482, C>T on the plus strand (G>A on the coding strand, the complement: TREM2 is on the minus strand). VCF-style: chr6-41161482-C-T. GRCh37 (hg19) VCF-style: chr6-41129220-C-T.
Other names: c.172G>A, p.Gly58Ser (NM_001271821.2); short protein forms G58S.
Identifiers: ClinVar variation 2070342 (VCV002070342.4), dbSNP rs2532388485, ClinGen allele CA364059096.

ClinVar aggregate classification (germline): Uncertain significance (1 of 4 stars; one submission).

Allele frequency attached by ClinVar (database versions not stated): gnomAD exomes below 0.00001.
gnomAD v4.1: 1 of 1,614,254 alleles (0.000062%); highest among the groups gnomAD compares: Middle Eastern, 0.016%; no homozygotes.

Submission:

Labcorp Genetics (formerly Invitae), Labcorp
Classification: Uncertain significance. Last evaluated: 2022-05-20. Review status: criteria provided, single submitter. Criteria: Invitae Variant Classification Sherloc (09022015). Collection method: clinical testing. Allele origin: germline.
Comment: In summary, the available evidence is currently insufficient to determine the role of this variant in disease. Therefore, it has been classified as a Variant of Uncertain Significance. Algorithms developed to predict the effect of missense changes on protein structure and function are either unavailable or do not agree on the potential impact of this missense change (SIFT: "Tolerated"; PolyPhen-2: "Probably Damaging"; Align-GVGD: "Class C0"). This sequence change replaces glycine, which is neutral and non-polar, with serine, which is neutral and polar, at codon 58 of the TREM2 protein (p.Gly58Ser). This variant is not present in population databases (gnomAD no frequency). This variant has not been reported in the literature in individuals affected with TREM2-related conditions.